The following is an entry in ClinVar:

NM_020795.4(NLGN2):c.1634G>C (p.Gly545Ala)

Gene: NLGN2 (neuroligin 2; plus strand). Cytogenetic location: 17p13.1.
Variant type: single nucleotide variant.
Coding change: c.1634G>C on transcript NM_020795.4 (MANE Select); coding-DNA position 1634, G replaced by C.
Protein change: p.Gly545Ala; replaces glycine 545 with alanine.
Molecular consequence: missense variant.
Genome position (GRCh38, 1-based): chr17:7,416,107, G>C. VCF-style: chr17-7416107-G-C. GRCh37 (hg19) VCF-style: chr17-7319426-G-C.
Other names: short protein forms G545A.
Identifiers: ClinVar variation 3392912 (VCV003392912.1).

ClinVar aggregate classification (germline): Uncertain significance (1 of 4 stars; one submission).

Submission:

GeneDx
Classification: Uncertain significance. Last evaluated: 2024-06-28. Review status: criteria provided, single submitter. Criteria: GeneDx Variant Classification Process June 2021. Collection method: clinical testing. Allele origin: germline. Affected: yes.
Comment: Not observed at significant frequency in large population cohorts (gnomAD); In silico analysis supports that this missense variant has a deleterious effect on protein structure/function; Has not been previously published as pathogenic or benign to our knowledge